The following is an entry in ClinVar:

NM_001127649.3(PEX26):c.529G>A (p.Ala177Thr)

Gene: PEX26 (peroxisomal biogenesis factor 26; plus strand). Cytogenetic location: 22q11.21.
Variant type: single nucleotide variant.
Coding change: c.529G>A on transcript NM_001127649.3 (MANE Select); coding-DNA position 529, G replaced by A.
Protein change: p.Ala177Thr; replaces alanine 177 with threonine.
Molecular consequence: missense variant.
Genome position (GRCh38, 1-based): chr22:18,083,594, G>A. VCF-style: chr22-18083594-G-A. GRCh37 (hg19) VCF-style: chr22-18566360-G-A.
Other names: c.529G>A, p.Ala177Thr (NM_001199319.2, NM_017929.6); short protein forms A177T.
Identifiers: ClinVar variation 591116 (VCV000591116.6), dbSNP rs1466173209, ClinGen allele CA410267795.
Genomic context (GRCh38, chr22:18,083,594, plus strand): 5'-GGAGCCTTGGCAGAATTTCACGTGCAGCGGGTGCTGCTGCCTCTGGGCTGCTTATCGGAG[G>A]CTGAGGAGCTAGTGGTGGGCTCTGCAGCCTTTGGTGAGGAGCGGCGACTGGATGTACTTC-3'
Protein context (NP_001121121.1, residues 167-187): VLLPLGCLSE[Ala177Thr]EELVVGSAAF

ClinVar aggregate classification (germline): Uncertain significance. Review status: criteria provided, multiple submitters, no conflicts (2 of 4 stars). 3 submissions from 3 submitters: Uncertain significance (2). 1 of the submissions does not count toward it. Last evaluated 2024-11-12.

Conditions:
Peroxisome biogenesis disorder 7A (Zellweger). Also called: Peroxisome biogenesis disorder 7A. Identifiers: Orphanet 912, MedGen C3888385, MONDO:0013938, OMIM 614872.
Peroxisome biogenesis disorder 7B (PBD7B). Identifiers: Orphanet 44, MedGen C3553951, MONDO:0013939, OMIM 614873.

Allele frequency attached by ClinVar (database versions not stated): gnomAD 0.00001; TOPMed 0.00005.

Submissions (3):

Labcorp Genetics (formerly Invitae), Labcorp
Classification: Uncertain significance for Peroxisome biogenesis disorder 7A (Zellweger); Peroxisome biogenesis disorder 7B. Last evaluated: 2024-11-12. Review status: criteria provided, single submitter. Criteria: Invitae Variant Classification Sherloc (09022015). Collection method: clinical testing. Allele origin: germline.
Comment: This sequence change replaces alanine, which is neutral and non-polar, with threonine, which is neutral and polar, at codon 177 of the PEX26 protein (p.Ala177Thr). This variant is present in population databases (no rsID available, gnomAD no frequency). This variant has not been reported in the literature in individuals affected with PEX26-related conditions. ClinVar contains an entry for this variant (Variation ID: 591116). Invitae Evidence Modeling of protein sequence and biophysical properties (such as structural, functional, and spatial information, amino acid conservation, physicochemical variation, residue mobility, and thermodynamic stability) indicates that this missense variant is expected to disrupt PEX26 protein function with a positive predictive value of 95%. In summary, the available evidence is currently insufficient to determine the role of this variant in disease. Therefore, it has been classified as a Variant of Uncertain Significance.

Blueprint Genetics
Classification: Uncertain significance. Last evaluated: 2022-10-29. Review status: criteria provided, single submitter. Criteria: ACMG Guidelines, 2015. Collection method: clinical testing. Allele origin: germline.

Gharavi Laboratory, Columbia University
Classification: Uncertain significance. Last evaluated: 2018-09-16. Review status: no assertion criteria provided. Criteria: ACMG Guidelines, 2015. Collection method: research. Allele origin: germline. Affected: yes. Not counted in ClinVar's aggregate classification.